The following is an entry in ClinVar:

ClinVar aggregate classification (germline): Uncertain significance. Review status: criteria provided, multiple submitters, no conflicts (2 of 4 stars). 5 submissions from 5 submitters: Uncertain significance (5). Last evaluated 2025-12-30.

Conditions:
Intellectual disability, autosomal dominant 16 (CSS4). Also called: COFFIN-SIRIS SYNDROME 4. Identifiers: Orphanet 1465, MedGen C3553249, MONDO:0013821, OMIM 614609.
Rhabdoid tumor predisposition syndrome 2 (RTPS2). Identifiers: Orphanet 231108, Orphanet 69077, MedGen C2750074, MONDO:0013224, OMIM 613325.
Hereditary cancer-predisposing syndrome. Also called: Hereditary neoplastic syndrome; Tumor predisposition; Neoplastic Syndromes, Hereditary; Hereditary Cancer Syndrome. Identifiers: Orphanet 140162, MedGen C0027672, MeSH D009386, MONDO:0015356.

Allele frequency attached by ClinVar (database versions not stated): gnomAD exomes 0.00001; gnomAD 0.00003 and 0.00004; ExAC 0.00002; TOPMed 0.00002.
gnomAD v4.1: 20 of 1,613,820 alleles (0.0012%); highest among the groups gnomAD compares: East Asian, 0.0045%; no homozygotes.

Submissions (5):

Labcorp Genetics (formerly Invitae), Labcorp
Classification: Uncertain significance for Rhabdoid tumor predisposition syndrome 2. Last evaluated: 2025-12-30. Review status: criteria provided, single submitter. Criteria: Invitae Variant Classification Sherloc (09022015). Collection method: clinical testing. Allele origin: germline.
Comment: This sequence change replaces arginine, which is basic and polar, with cysteine, which is neutral and slightly polar, at codon 726 of the SMARCA4 protein (p.Arg726Cys). This variant is present in population databases (rs778049192, gnomAD 0.005%). This missense change has been observed in individual(s) with clinical features of SMARCA4-related conditions (PMID: 37500730). ClinVar contains an entry for this variant (Variation ID: 656171). Invitae Evidence Modeling of protein sequence and biophysical properties (such as structural, functional, and spatial information, amino acid conservation, physicochemical variation, residue mobility, and thermodynamic stability) indicates that this missense variant is not expected to disrupt SMARCA4 protein function with a negative predictive value of 95%. In summary, the available evidence is currently insufficient to determine the role of this variant in disease. Therefore, it has been classified as a Variant of Uncertain Significance.

Ambry Genetics
Classification: Uncertain significance for Hereditary cancer-predisposing syndrome. Last evaluated: 2025-07-28. Review status: criteria provided, single submitter. Criteria: Ambry Variant Classification Scheme 2023. Collection method: clinical testing. Allele origin: germline.
Comment: The p.R726C variant (also known as c.2176C>T), located in coding exon 14 of the SMARCA4 gene, results from a C to T substitution at nucleotide position 2176. The arginine at codon 726 is replaced by cysteine, an amino acid with highly dissimilar properties. This amino acid position is well conserved in available vertebrate species. In addition, the in silico prediction for this alteration is inconclusive. This variant has been detected in multiple individuals with no reported features of Coffin-Siris syndrome-associated disease (Ambry internal data). Based on data from gnomAD, the frequency for this variant is above the maximum credible frequency for a Coffin-Siris syndrome-causing variant in this gene based on internally established thresholds (Karczewski et al. Nature. 2020 May;581(7809):434-443; Whiffin et al. Genet Med. 2017 10;19:1151-1158). Based on the supporting evidence, the association of this alteration with rhabdoid tumor predisposition syndrome is unknown; however, the association of this alteration with Coffin-Siris syndrome is unlikely.

GeneDx
Classification: Uncertain significance. Last evaluated: 2023-11-06. Review status: criteria provided, single submitter. Criteria: GeneDx Variant Classification Process June 2021. Collection method: clinical testing. Allele origin: germline. Affected: yes.
Comment: In silico analysis supports that this missense variant has a deleterious effect on protein structure/function; Has not been previously published as pathogenic or benign to our knowledge

Genome-Nilou Lab
Classification: Uncertain significance for Intellectual disability, autosomal dominant 16. Last evaluated: 2021-07-15. Review status: criteria provided, single submitter. Criteria: ACMG Guidelines, 2015. Collection method: clinical testing. Allele origin: germline. Affected: no.

Institute of Human Genetics, University of Leipzig Medical Center
Classification: Uncertain significance for Intellectual disability, autosomal dominant 16. Last evaluated: 2019-01-01. Review status: criteria provided, single submitter. Criteria: ACMG Guidelines, 2015. Collection method: clinical testing. Allele origin: unknown. Affected: yes.

Literature cited by the submitters: PubMed 37500730 (cited by Labcorp Genetics (formerly Invitae), Labcorp).

NM_003072.5(SMARCA4):c.2176C>T (p.Arg726Cys)

Gene: SMARCA4 (SWI/SNF related BAF chromatin remodeling complex subunit ATPase 4; plus strand). Cytogenetic location: 19p13.2.
Variant type: single nucleotide variant.
Coding change: c.2176C>T on transcript NM_003072.5 (MANE Select); coding-DNA position 2176, C replaced by T.
Protein change: p.Arg726Cys; replaces arginine 726 with cysteine.
Molecular consequence: missense variant. On other transcripts: non-coding transcript variant (1).
Genome position (GRCh38, 1-based): chr19:11,010,433, C>T. VCF-style: chr19-11010433-C-T. GRCh37 (hg19) VCF-style: chr19-11121109-C-T.
Other names: c.2176C>T, p.Arg726Cys (NM_001128844.3, NM_001128845.2, NM_001128846.2 and 5 more transcripts); short protein forms R726C.
Identifiers: ClinVar variation 656171 (VCV000656171.19), dbSNP rs778049192, ClinGen allele CA9204033.
Genomic context (GRCh38, chr19:11,010,433, plus strand): 5'-ACTCCCAGGAATGCCAAGCAAGATGTCGATGATGAATATGGCGTGTCCCAGGCCCTTGCA[C>T]GTGGCCTGCAGTCCTACTATGCCGTGGCCCATGCTGTCACTGAGAGAGTGGACAAGCAGT-3'
Protein context (NP_003063.2, residues 716-736): DEYGVSQALA[Arg726Cys]GLQSYYAVAH